The following is an entry in ClinVar:

ClinVar aggregate classification (germline): Uncertain significance. Review status: criteria provided, multiple submitters, no conflicts (2 of 4 stars). 2 submissions from 2 submitters: Uncertain significance (2). Last evaluated 2025-03-26.

Conditions:
Hereditary cancer-predisposing syndrome. Also called: Tumor predisposition; Hereditary neoplastic syndrome; Neoplastic Syndromes, Hereditary; Hereditary Cancer Syndrome. Identifiers: Orphanet 140162, MedGen C0027672, MeSH D009386, MONDO:0015356.
Haddad syndrome (OHD). Also called: Ondine-Hirschsprung disease. Identifiers: Orphanet 99803, MedGen C1859049, MONDO:0020493.

Submissions (2):

Ambry Genetics
Classification: Uncertain significance for Hereditary cancer-predisposing syndrome. Last evaluated: 2025-03-26. Review status: criteria provided, single submitter. Criteria: Ambry Variant Classification Scheme 2023. Collection method: clinical testing. Allele origin: germline.
Comment: The c.679_680delGCinsTT variant, located in coding exon 3 of the PHOX2B gene, results from an in-frame deletion of GC and insertion of TT at nucleotide positions 679 to 680. This results in the substitution of the alanine residue for a leucine residue at codon 227, an amino acid with similar properties. This amino acid position is not well conserved in available vertebrate species. In addition, this alteration is predicted to be deleterious/neutral by in silico analysis (Choi Y et al. PLoS ONE. 2012; 7(10):e46688). Since supporting evidence is limited at this time, the clinical significance of this alteration remains unclear.

Labcorp Genetics (formerly Invitae), Labcorp
Classification: Uncertain significance for Haddad syndrome. Last evaluated: 2024-04-22. Review status: criteria provided, single submitter. Criteria: Invitae Variant Classification Sherloc (09022015). Collection method: clinical testing. Allele origin: germline.
Comment: This sequence change replaces alanine, which is neutral and non-polar, with leucine, which is neutral and non-polar, at codon 227 of the PHOX2B protein (p.Ala227Leu). The frequency data for this variant in the population databases is considered unreliable, as metrics indicate poor data quality at this position in the gnomAD database. This variant has not been reported in the literature in individuals affected with PHOX2B-related conditions. ClinVar contains an entry for this variant (Variation ID: 664550). Experimental studies and prediction algorithms are not available or were not evaluated, and the functional significance of this variant is currently unknown. In summary, the available evidence is currently insufficient to determine the role of this variant in disease. Therefore, it has been classified as a Variant of Uncertain Significance.

NM_003924.4(PHOX2B):c.679_680delinsTT (p.Ala227Leu)

Gene: PHOX2B (paired like homeobox 2B; minus strand). Cytogenetic location: 4p13.
Variant type: Indel.
Coding change: c.679_680delinsTT on transcript NM_003924.4 (MANE Select); coding-DNA positions 679 to 680, GC replaced by TT.
Protein change: p.Ala227Leu; replaces alanine 227 with leucine.
Molecular consequence: missense variant.
Genome position (GRCh38, 1-based): chr4:41,746,072-41,746,073, GC replaced by AA on the plus strand (GC replaced by TT on the coding strand, the reverse complement: PHOX2B is on the minus strand). VCF-style: chr4-41746072-GC-AA. GRCh37 (hg19) VCF-style: chr4-41748089-GC-AA.
Other names: c.679_680delGCinsTT (NM_003924.3); short protein forms A227L.
Identifiers: ClinVar variation 664550 (VCV000664550.14), dbSNP rs1577559108, ClinGen allele CA915943036.
Genomic context (GRCh38, chr4:41,746,072, plus strand): 5'-GCCGCCGCCGCTGCTGCTGCGCCGCCCTTGCCGGGTTCGCCTCCCGGGCCCCCGGGCCCC[GC>AA]CGCCCCCGGAGCTCCAGCCGGGCTGGGCCCGCCGCCGCCGCCTCCATTCGCCCCGCAGCT-3'
Protein context (NP_003915.2, residues 217-237): GPSPAGAPGA[Ala227Leu]GPGGPGGEPG